The following is an entry in ClinVar:

NM_000255.4(MMUT):c.1992G>A (p.Ala664=)

Gene: MMUT (methylmalonyl-CoA mutase; minus strand). Cytogenetic location: 6p12.3.
Variant type: single nucleotide variant.
Coding change: c.1992G>A on transcript NM_000255.4 (MANE Select); coding-DNA position 1992, G replaced by A.
Protein change: p.Ala664=; no amino-acid change (alanine 664 retained).
Molecular consequence: synonymous variant.
Genome position (GRCh38, 1-based): chr6:49,435,588, C>T on the plus strand (G>A on the coding strand, the complement: MMUT is on the minus strand). VCF-style: chr6-49435588-C-T. GRCh37 (hg19) VCF-style: chr6-49403301-C-T.
Identifiers: ClinVar variation 92684 (VCV000092684.24), dbSNP rs144146728, ClinGen allele CA249741.
Genomic context (GRCh38, chr6:49,435,588, plus strand): 5'-TTCAGGAACTAGGGTTTTATGACCAGCAGCGAGGGTGCTTATGCCCACAGCATGCACATC[C>T]GCATCCACAGCCTGCTGGGCCACTTCACGAGGAGTCTAAACAGTCAGAAAGTAAAGATAA-3'
Protein context (NP_000246.2, residues 654-674): PREVAQQAVD[Ala664=]DVHAVGISTL

ClinVar aggregate classification (germline): Benign/Likely benign. Review status: criteria provided, multiple submitters, no conflicts (2 of 4 stars). 8 submissions from 8 submitters: Benign (4); Likely benign (2). 2 of the submissions do not count toward it. Last evaluated 2026-02-04.

Conditions:
Methylmalonic aciduria due to complete methylmalonyl-CoA mutase deficiency.
Methylmalonic aciduria due to methylmalonyl-CoA mutase deficiency (MAMM). Also called: Methylmalonic aciduria, mut type. Identifiers: Orphanet 27, MedGen C1855114, MONDO:0009612, OMIM 251000.

Allele frequency attached by ClinVar (database versions not stated): ESP Exome Variant Server 0.00161; gnomAD exomes 0.00427 and 0.01713; gnomAD 0.00839 and 0.00891; ExAC 0.01285; TOPMed 0.01382; 1000 Genomes Project 0.01817; 1000 Genomes Project 30x 0.01999.
gnomAD v4.1: 7,548 of 1,613,886 alleles (0.47%); highest among the groups gnomAD compares: Admixed American, 9.2%; 355 homozygotes.

Submissions (8):

Labcorp Genetics (formerly Invitae), Labcorp
Classification: Benign. Last evaluated: 2026-02-04. Review status: criteria provided, single submitter. Criteria: Invitae Variant Classification Sherloc (09022015). Collection method: clinical testing. Allele origin: germline.

Illumina Laboratory Services, Illumina
Classification: Likely benign for Methylmalonic aciduria due to methylmalonyl-CoA mutase deficiency. Last evaluated: 2017-04-27. Review status: criteria provided, single submitter. Criteria: ICSL Variant Classification Criteria 13 December 2019. Collection method: clinical testing. Allele origin: germline.
Comment: This variant was observed as part of a predisposition screen in an ostensibly healthy population. A literature search was performed for the gene, cDNA change, and amino acid change (where applicable). Publications were found based on this search. The evidence from the literature, in combination with allele frequency data from public databases where available, was sufficient to determine this variant is unlikely to cause disease. Therefore, this variant is classified as likely benign.

GeneDx
Classification: Benign. Last evaluated: 2015-03-03. Review status: criteria provided, single submitter. Criteria: GeneDx Variant Classification Process June 2021. Collection method: clinical testing. Allele origin: germline. Affected: yes.

Eurofins Ntd Llc (ga)
Classification: Benign. Last evaluated: 2013-02-22. Review status: criteria provided, single submitter. Criteria: EGL Classification Definitions 2015. Collection method: clinical testing. Allele origin: germline. Observed: 2 variant alleles, 2 heterozygotes.

Breakthrough Genomics
Classification: Likely benign. Review status: criteria provided, single submitter. Criteria: ACMG Guidelines, 2015. Collection method: not provided. Allele origin: germline. Inheritance: Autosomal recessive inheritance. Affected: yes.

PreventionGenetics, part of Exact Sciences
Classification: Benign. Review status: criteria provided, single submitter. Criteria: ACMG Guidelines, 2015. Collection method: clinical testing. Allele origin: germline.

Natera, Inc.
Classification: Benign for Methylmalonic aciduria due to complete methylmalonyl-CoA mutase deficiency. Last evaluated: 2020-09-16. Review status: no assertion criteria provided. Collection method: clinical testing. Allele origin: germline. Not counted in ClinVar's aggregate classification.

GeneReviews
No classification provided. Condition: Methylmalonic aciduria due to methylmalonyl-CoA mutase deficiency. Review status: no classification provided. Collection method: literature only. Allele origin: germline. Affected: yes. Not counted in ClinVar's aggregate classification.

Literature cited by the submitters: PubMed 21671183 (cited by Illumina Laboratory Services, Illumina); PubMed 20301409 (cited by Illumina Laboratory Services, Illumina); NCBI Bookshelf NBK1231 (cited by GeneReviews).